The following is an entry in ClinVar:

NM_000092.5(COL4A4):c.4664C>T (p.Ser1555Phe)

Gene: COL4A4 (collagen type IV alpha 4 chain; minus strand). Cytogenetic location: 2q36.3.
Variant type: single nucleotide variant.
Coding change: c.4664C>T on transcript NM_000092.5 (MANE Select); coding-DNA position 4664, C replaced by T.
Protein change: p.Ser1555Phe; replaces serine 1555 with phenylalanine.
Molecular consequence: missense variant.
Genome position (GRCh38, 1-based): chr2:227,008,163, G>A on the plus strand (C>T on the coding strand, the complement: COL4A4 is on the minus strand). VCF-style: chr2-227008163-G-A. GRCh37 (hg19) VCF-style: chr2-227872879-G-A.
Other names: short protein forms S1555F.
Identifiers: ClinVar variation 1304629 (VCV001304629.2), dbSNP rs2149721513, ClinGen allele CA351140735.

ClinVar aggregate classification (germline): Uncertain significance (1 of 4 stars; one submission).

Submission:

GeneDx
Classification: Uncertain significance. Last evaluated: 2019-06-12. Review status: criteria provided, single submitter. Criteria: GeneDx Variant Classification Process June 2021. Collection method: clinical testing. Allele origin: germline. Affected: yes.
Comment: Not observed in large population cohorts (Lek et al., 2016); In silico analysis, which includes protein predictors and evolutionary conservation, supports a deleterious effect; Has not been previously published as pathogenic or benign to our knowledge